The following is an entry in ClinVar:

NM_003482.4(KMT2D):c.9834_9848del (p.Gln3278_Gln3282del)

Gene: KMT2D (lysine methyltransferase 2D; minus strand). Cytogenetic location: 12q13.12.
Variant type: Deletion.
Coding change: c.9834_9848del on transcript NM_003482.4 (MANE Select); coding-DNA positions 9834 to 9848, 15 bases deleted (ACAGCAGCAGCAGCA).
Protein change: p.Gln3278_Gln3282del.
Molecular consequence: inframe deletion.
Genome position (GRCh38, 1-based): chr12:49,037,508-49,037,522, TGCTGCTGCTGCTGT deleted on the plus strand (ACAGCAGCAGCAGCA on the coding strand, the reverse complement: KMT2D is on the minus strand); deleting any 15 consecutive bases within chr12:49,037,508-49,037,536 gives the same sequence; the c. name uses the placement nearest the transcript's 3' end. VCF-style (leftmost placement, unchanged base first): chr12-49037507-ATGCTGCTGCTGCTGT-A. GRCh37 (hg19) VCF-style: chr12-49431290-ATGCTGCTGCTGCTGT-A.
Identifiers: ClinVar variation 2906509 (VCV002906509.3), dbSNP rs1555190270, ClinGen allele CA479710379.

ClinVar aggregate classification (germline): Uncertain significance (1 of 4 stars; one submission).

Conditions:
Kabuki syndrome. Also called: Kabuki make-up syndrome; NIIKAWA-KUROKI SYNDROME. Identifiers: Orphanet 2322, MedGen C0796004, MONDO:0016512.

Submission:

Labcorp Genetics (formerly Invitae), Labcorp
Classification: Uncertain significance for Kabuki syndrome. Last evaluated: 2023-06-03. Review status: criteria provided, single submitter. Criteria: Invitae Variant Classification Sherloc (09022015). Collection method: clinical testing. Allele origin: germline.
Comment: In summary, the available evidence is currently insufficient to determine the role of this variant in disease. Therefore, it has been classified as a Variant of Uncertain Significance. This variant has not been reported in the literature in individuals affected with KMT2D-related conditions. This variant is not present in population databases (gnomAD no frequency). This variant, c.9834_9848del, results in the deletion of 5 amino acid(s) of the KMT2D protein (p.Gln3278_Gln3282del), but otherwise preserves the integrity of the reading frame.